The following is an entry in ClinVar:

NM_001113378.2(FANCI):c.226G>A (p.Val76Met)

Gene: FANCI (FA complementation group I; plus strand). Cytogenetic location: 15q26.1.
Variant type: single nucleotide variant.
Coding change: c.226G>A on transcript NM_001113378.2 (MANE Select); coding-DNA position 226, G replaced by A.
Protein change: p.Val76Met; replaces valine 76 with methionine.
Molecular consequence: missense variant. On other transcripts: 5 prime UTR variant (1).
Genome position (GRCh38, 1-based): chr15:89,260,781, G>A. VCF-style: chr15-89260781-G-A. GRCh37 (hg19) VCF-style: chr15-89804012-G-A.
Other names: c.-54G>A (NM_001376910.1); c.226G>A, p.Val76Met (NM_001376911.1, NM_018193.3); short protein forms V76M.
Identifiers: ClinVar variation 1469687 (VCV001469687.8), dbSNP rs2151253448, ClinGen allele CA393737960.

ClinVar aggregate classification (germline): Uncertain significance (1 of 4 stars; one submission).

Conditions:
Fanconi anemia (FA). Also called: Fanconi's anemia. Identifiers: Orphanet 84, MedGen C0015625, MeSH D005199, MONDO:0019391.

Submission:

Labcorp Genetics (formerly Invitae), Labcorp
Classification: Uncertain significance for Fanconi anemia. Last evaluated: 2021-04-23. Review status: criteria provided, single submitter. Criteria: Invitae Variant Classification Sherloc (09022015). Collection method: clinical testing. Allele origin: germline.
Comment: This variant is not present in population databases (ExAC no frequency). This sequence change replaces valine with methionine at codon 76 of the FANCI protein (p.Val76Met). The valine residue is moderately conserved and there is a small physicochemical difference between valine and methionine. This variant has not been reported in the literature in individuals with FANCI-related conditions. In summary, the available evidence is currently insufficient to determine the role of this variant in disease. Therefore, it has been classified as a Variant of Uncertain Significance. Algorithms developed to predict the effect of missense changes on protein structure and function (SIFT, PolyPhen-2, Align-GVGD) all suggest that this variant is likely to be tolerated, but these predictions have not been confirmed by published functional studies and their clinical significance is uncertain.